The following is an entry in ClinVar:

ClinVar aggregate classification (germline): Conflicting classifications of pathogenicity. Review status: criteria provided, conflicting classifications (1 of 4 stars). 8 submissions from 5 submitters: Uncertain significance (4); Benign (1); Likely benign (2). 1 of the submissions does not count toward it. Last evaluated 2024-07-28.

Conditions:
Inborn genetic diseases. Identifiers: MedGen C0950123, MeSH D030342.
Transitory neonatal diabetes mellitus. Also called: Transient neonatal diabetes mellitus. Identifiers: MedGen C0342273, MONDO:0020525, HP:0008255.
Maturity-onset diabetes of the young (MODY). Also called: Maturity onset diabetes mellitus in young. Identifiers: Orphanet 552, MedGen C0342276, MONDO:0018911, HP:0004904.
Diabetes mellitus, transient neonatal, 2 (TNDM2). Identifiers: Orphanet 99886, MedGen C1835887, MONDO:0012480, OMIM 610374. Disease mechanism: loss of function.
Hyperinsulinemic hypoglycemia, familial, 1 (HHF1). Also called: Persistent hyperinsulinemic hypoglycemia of infancy; Persistent Hyperinsulinemia Hypoglycemia of Infancy; HYPERINSULINISM, FAMILIAL, WITH PANCREATIC NESIDIOBLASTOSIS; HYPOGLYCEMIA, HYPERINSULINEMIC, OF INFANCY; NESIDIOBLASTOSIS OF PANCREAS. Identifiers: Orphanet 276575, Orphanet 276598, MedGen C2931832, MONDO:0009734, OMIM 256450.
Permanent neonatal diabetes mellitus (PNDM). Identifiers: Orphanet 99885, MedGen C1833104, MONDO:0100164, MONDO:0011643. Disease mechanism: gain of function.
Hereditary hyperinsulinism.

Allele frequency attached by ClinVar (database versions not stated): ExAC 0.00002; gnomAD exomes 0.00002; TOPMed 0.00002; gnomAD 0.00003 and 0.00005; 1000 Genomes Project 0.00020; 1000 Genomes Project 30x 0.00031.

Submissions (8):

Ambry Genetics
Classification: Likely benign for Inborn genetic diseases. Last evaluated: 2024-07-28. Review status: criteria provided, single submitter. Criteria: Ambry Variant Classification Scheme 2023. Collection method: clinical testing. Allele origin: germline.

Labcorp Genetics (formerly Invitae), Labcorp
Classification: Likely benign. Last evaluated: 2024-03-18. Review status: criteria provided, single submitter. Criteria: Invitae Variant Classification Sherloc (09022015). Collection method: clinical testing. Allele origin: germline.

Illumina Laboratory Services, Illumina
Classification: Uncertain significance for Hyperinsulinemic hypoglycemia, familial, 1. Last evaluated: 2018-04-20. Review status: criteria provided, single submitter. Criteria: ICSL Variant Classification Criteria 13 December 2019. Collection method: clinical testing. Allele origin: germline.

Illumina Laboratory Services, Illumina
Classification: Benign for Diabetes mellitus, transient neonatal, 2. Last evaluated: 2018-04-20. Review status: criteria provided, single submitter. Criteria: ICSL Variant Classification Criteria 13 December 2019. Collection method: clinical testing. Allele origin: germline.
Comment: This variant was observed in the ICSL laboratory as part of a predisposition screen in an ostensibly healthy population. It had not been previously curated by ICSL or reported in the Human Gene Mutation Database (HGMD: prior to June 1st, 2018), and was therefore a candidate for classification through an automated scoring system. Utilizing variant allele frequency, disease prevalence and penetrance estimates, and inheritance mode, an automated score was calculated to assess if this variant is too frequent to cause the disease. Based on the score and internal cut-off values, a variant classified as benign is not then subjected to further curation. The score for this variant resulted in a classification of benign for this disease.

Illumina Laboratory Services, Illumina
Classification: Uncertain significance for Permanent neonatal diabetes mellitus 1. Last evaluated: 2018-04-20. Review status: criteria provided, single submitter. Criteria: ICSL Variant Classification Criteria 13 December 2019. Collection method: clinical testing. Allele origin: germline.

Clinical Genomics, Uppaluri K&H Personalized Medicine Clinic
Classification: Uncertain significance for Transitory neonatal diabetes mellitus. Review status: criteria provided, single submitter. Criteria: K & H Uppaluri Personalized Medicine Clinic Variant Classification & Assertion Criteria_Updated V.1. Collection method: research. Allele origin: somatic. Inheritance: Somatic mutation.
Comment: Mutations in ABCC8 gene are associated with both neonatal diabetes mellitus as well as MODY. Patients with this mutation may have a better response to sulfonylureas. However, no sufficient evidence is found to ascertain the role of this particular variant (rs540122589) in neonatal diabetes yet.

Clinical Genomics, Uppaluri K&H Personalized Medicine Clinic
Classification: Uncertain significance for Maturity-onset diabetes of the young. Review status: criteria provided, single submitter. Criteria: K & H Uppaluri Personalized Medicine Clinic Variant Classification & Assertion Criteria_Updated V.1. Collection method: research. Allele origin: somatic. Inheritance: Somatic mutation.
Comment: Mutations in ABCC8 gene are associated with both neonatal diabetes mellitus as well as MODY. Patients with this mutation may have a better response to sulfonylureas. However, no sufficient evidence is found to ascertain the role of this particular variant (rs540122589) in MODY yet.

Natera, Inc.
Classification: Uncertain significance for Hereditary hyperinsulinism. Last evaluated: 2020-04-10. Review status: no assertion criteria provided. Collection method: clinical testing. Allele origin: germline. Not counted in ClinVar's aggregate classification.

Literature cited by the submitters: PubMed 16885549 (cited by Clinical Genomics, Uppaluri K&H Personalized Medicine Clinic); PubMed 21989597 (cited by Clinical Genomics, Uppaluri K&H Personalized Medicine Clinic); PubMed 27538677 (cited by Clinical Genomics, Uppaluri K&H Personalized Medicine Clinic); PubMed 18981553 (cited by Clinical Genomics, Uppaluri K&H Personalized Medicine Clinic); PubMed 32027066 (cited by Clinical Genomics, Uppaluri K&H Personalized Medicine Clinic); PubMed 16613899 (cited by Clinical Genomics, Uppaluri K&H Personalized Medicine Clinic); PubMed 18025408 (cited by Clinical Genomics, Uppaluri K&H Personalized Medicine Clinic); PubMed 32792356 (cited by Clinical Genomics, Uppaluri K&H Personalized Medicine Clinic).

NM_000352.6(ABCC8):c.3462C>T (p.Ala1154=)

Gene: ABCC8 (ATP binding cassette subfamily C member 8; minus strand). Cytogenetic location: 11p15.1.
Variant type: single nucleotide variant.
Coding change: c.3462C>T on transcript NM_000352.6 (MANE Select); coding-DNA position 3462, C replaced by T.
Protein change: p.Ala1154=; no amino-acid change (alanine 1154 retained).
Molecular consequence: synonymous variant. On other transcripts: non-coding transcript variant (1).
Genome position (GRCh38, 1-based): chr11:17,404,607, G>A on the plus strand (C>T on the coding strand, the complement: ABCC8 is on the minus strand). VCF-style: chr11-17404607-G-A. GRCh37 (hg19) VCF-style: chr11-17426154-G-A.
Other names: c.3465C>T, p.Ala1155= (NM_001287174.3); c.3528C>T, p.Ala1176= (NM_001351295.2); c.3462C>T, p.Ala1154= (NM_001351296.2); c.3459C>T, p.Ala1153= (NM_001351297.2).
Identifiers: ClinVar variation 879518 (VCV000879518.15), dbSNP rs540122589, ClinGen allele CA5902801.